The following is an entry in ClinVar:

NM_016366.3(CABP2):c.29G>A (p.Arg10His)

Gene: CABP2 (calcium binding protein 2; minus strand). Cytogenetic location: 11q13.2.
Variant type: single nucleotide variant.
Coding change: c.29G>A on transcript NM_016366.3 (MANE Select); coding-DNA position 29, G replaced by A.
Protein change: p.Arg10His; replaces arginine 10 with histidine.
Molecular consequence: missense variant.
Genome position (GRCh38, 1-based): chr11:67,523,298, C>T on the plus strand (G>A on the coding strand, the complement: CABP2 is on the minus strand). VCF-style: chr11-67523298-C-T. GRCh37 (hg19) VCF-style: chr11-67290769-C-T.
Other names: c.43G>A, p.Ala15Thr (NM_001318496.2); short protein forms A15T, R10H.
Identifiers: ClinVar variation 3483864 (VCV003483864.2).
Genomic context (GRCh38, chr11:67,523,298, plus strand): 5'-GTCCATTCCAGCCTCCTGGCCTGGGTTTCTCCCCTGACCCCTCCTACCTTAGGGCCCCGG[C>T]GCCAGGGCCGCTTGGCACAGTTCCCCATGGGCCCTGAACCATGCCAGGCCTGGAACCCCG-3'
Protein context (NP_057450.2, residues 1-20): MGNCAKRPW[Arg10His]RGPKDPLQWL

ClinVar aggregate classification (germline): Conflicting classifications of pathogenicity. Review status: criteria provided, conflicting classifications (1 of 4 stars). 2 submissions from 2 submitters: Uncertain significance (1); Likely benign (1). Last evaluated 2025-03-13.

Conditions:
Inborn genetic diseases. Identifiers: MedGen C0950123, MeSH D030342.

Submissions (2):

GeneDx
Classification: Uncertain significance. Last evaluated: 2025-03-13. Review status: criteria provided, single submitter. Criteria: GeneDx Variant Classification Process June 2021. Collection method: clinical testing. Allele origin: germline. Affected: yes.
Comment: In silico analysis indicates that this missense variant does not alter protein structure/function; Has not been previously published as pathogenic or benign to our knowledge

Ambry Genetics
Classification: Likely benign for Inborn genetic diseases. Last evaluated: 2024-07-27. Review status: criteria provided, single submitter. Criteria: Ambry Variant Classification Scheme 2023. Collection method: clinical testing. Allele origin: germline.